The following is an entry in ClinVar:

NM_001365088.1(SLC12A6):c.1118+290T>C

Gene: SLC12A6 (solute carrier family 12 member 6; minus strand). Cytogenetic location: 15q14.
Variant type: single nucleotide variant.
Coding change: c.1118+290T>C on transcript NM_001365088.1 (MANE Select); 290 bases into the intron after coding-DNA position 1118, T replaced by C.
Molecular consequence: intron variant.
Genome position (GRCh38, 1-based): chr15:34,254,058, A>G on the plus strand (T>C on the coding strand, the complement: SLC12A6 is on the minus strand). VCF-style: chr15-34254058-A-G. GRCh37 (hg19) VCF-style: chr15-34546259-A-G.
Other names: c.941+290T>C (NM_001042495.2, NM_001042494.2); c.1091+290T>C (NM_001042496.2); c.1073+290T>C (NM_001042497.2); c.1118+290T>C (NM_133647.2); c.965+290T>C (NM_005135.2).
Identifiers: ClinVar variation 668755 (VCV000668755.1), dbSNP rs4780236, ClinGen allele CA14142487.

ClinVar aggregate classification (germline): Benign (1 of 4 stars; one submission).

Allele frequency attached by ClinVar (database versions not stated): gnomAD 0.30485 and 0.31324; TOPMed 0.31854; 1000 Genomes Project 30x 0.41474; 1000 Genomes Project 0.41693.
gnomAD v4.1: 47,571 of 152,064 alleles (31%); highest among the groups gnomAD compares: East Asian, 59%; 7,883 homozygotes.

Submission:

GeneDx
Classification: Benign. Last evaluated: 2018-06-19. Review status: criteria provided, single submitter. Criteria: GeneDx Variant Classification (06012015). Collection method: clinical testing. Allele origin: germline. Affected: yes.
Comment: This variant is considered likely benign or benign based on one or more of the following criteria: it is a conservative change, it occurs at a poorly conserved position in the protein, it is predicted to be benign by multiple in silico algorithms, and/or has population frequency not consistent with disease.